The following is an entry in ClinVar:

NM_003482.4(KMT2D):c.16204G>T (p.Ala5402Ser)

Gene: KMT2D (lysine methyltransferase 2D; minus strand). Cytogenetic location: 12q13.12.
Variant type: single nucleotide variant.
Coding change: c.16204G>T on transcript NM_003482.4 (MANE Select); coding-DNA position 16204, G replaced by T.
Protein change: p.Ala5402Ser; replaces alanine 5402 with serine.
Molecular consequence: missense variant.
Genome position (GRCh38, 1-based): chr12:49,022,724, C>A on the plus strand (G>T on the coding strand, the complement: KMT2D is on the minus strand). VCF-style: chr12-49022724-C-A. GRCh37 (hg19) VCF-style: chr12-49416507-C-A.
Other names: short protein forms A5402S.
Identifiers: ClinVar variation 2811371 (VCV002811371.3), dbSNP rs2137707038, ClinGen allele CA384678480.

ClinVar aggregate classification (germline): Uncertain significance (1 of 4 stars; one submission).

Conditions:
Kabuki syndrome. Also called: Kabuki make-up syndrome; NIIKAWA-KUROKI SYNDROME. Identifiers: Orphanet 2322, MedGen C0796004, MONDO:0016512.

Submission:

Labcorp Genetics (formerly Invitae), Labcorp
Classification: Uncertain significance for Kabuki syndrome. Last evaluated: 2022-11-01. Review status: criteria provided, single submitter. Criteria: Invitae Variant Classification Sherloc (09022015). Collection method: clinical testing. Allele origin: germline.
Comment: This sequence change replaces alanine, which is neutral and non-polar, with serine, which is neutral and polar, at codon 5402 of the KMT2D protein (p.Ala5402Ser). This variant is not present in population databases (gnomAD no frequency). This variant has not been reported in the literature in individuals affected with KMT2D-related conditions. Advanced modeling of protein sequence and biophysical properties (such as structural, functional, and spatial information, amino acid conservation, physicochemical variation, residue mobility, and thermodynamic stability) has been performed at Invitae for this missense variant, however the output from this modeling did not meet the statistical confidence thresholds required to predict the impact of this variant on KMT2D protein function. Algorithms developed to predict the effect of sequence changes on RNA splicing suggest that this variant may create or strengthen a splice site. In summary, the available evidence is currently insufficient to determine the role of this variant in disease. Therefore, it has been classified as a Variant of Uncertain Significance.